The following is an entry in ClinVar:

NM_000562.3(C8A):c.1174G>A (p.Gly392Arg)

Gene: C8A (complement C8 alpha chain; plus strand). Cytogenetic location: 1p32.2.
Variant type: single nucleotide variant.
Coding change: c.1174G>A on transcript NM_000562.3 (MANE Select); coding-DNA position 1174, G replaced by A.
Protein change: p.Gly392Arg; replaces glycine 392 with arginine.
Molecular consequence: missense variant.
Genome position (GRCh38, 1-based): chr1:56,906,744, G>A. VCF-style: chr1-56906744-G-A. GRCh37 (hg19) VCF-style: chr1-57372417-G-A.
Other names: short protein forms G392R.
Identifiers: ClinVar variation 1490714 (VCV001490714.8), dbSNP rs2101296700, ClinGen allele CA340512390.

ClinVar aggregate classification (germline): Uncertain significance (1 of 4 stars; one submission).

Submission:

Labcorp Genetics (formerly Invitae), Labcorp
Classification: Uncertain significance. Last evaluated: 2022-08-16. Review status: criteria provided, single submitter. Criteria: Invitae Variant Classification Sherloc (09022015). Collection method: clinical testing. Allele origin: germline.
Comment: In summary, the available evidence is currently insufficient to determine the role of this variant in disease. Therefore, it has been classified as a Variant of Uncertain Significance. Algorithms developed to predict the effect of sequence changes on RNA splicing suggest that this variant may disrupt the consensus splice site. Algorithms developed to predict the effect of missense changes on protein structure and function are either unavailable or do not agree on the potential impact of this missense change (SIFT: "Tolerated"; PolyPhen-2: "Probably Damaging"; Align-GVGD: "Class C0"). ClinVar contains an entry for this variant (Variation ID: 1490714). This variant has not been reported in the literature in individuals affected with C8A-related conditions. This variant is not present in population databases (gnomAD no frequency). This sequence change replaces glycine, which is neutral and non-polar, with arginine, which is basic and polar, at codon 392 of the C8A protein (p.Gly392Arg).